The following is an entry in ClinVar:

ClinVar aggregate classification (germline): Benign/Likely benign. Review status: criteria provided, multiple submitters, no conflicts (2 of 4 stars). 12 submissions from 12 submitters: Benign (1); Likely benign (10). 1 of the submissions does not count toward it. Last evaluated 2026-01-27.

Conditions:
Developmental and epileptic encephalopathy, 1 (DEE1). Also called: Epileptic encephalopathy, early infantile, 1; X-linked infantile spasms; West's syndrome; Tonic spasms with clustering, arrest of psychomotor development and hypsarrhythmia on EEG; X-Linked Infantile Spasm Syndrome; OHTAHARA SYNDROME, X-LINKED. Identifiers: MedGen C3463992, MONDO:0010632, OMIM 308350. Disease mechanism: loss of function.
Autosomal dominant nonsyndromic hearing loss 65. Also called: Deafness, autosomal dominant 65; TBC1D24-Related Autosomal Dominant Nonsyndromic Hearing Loss (DFNA). Identifiers: Orphanet 90635, MedGen C3892048, MONDO:0014470, OMIM 616044.
TBC1D24-related disorder. Also called: TBC1D24-related condition; TBC1D24-related disorders. Identifiers: MedGen CN381194.
Inborn genetic diseases. Identifiers: MedGen C0950123, MeSH D030342.

Allele frequency attached by ClinVar (database versions not stated): 1000 Genomes Project 30x 0.00047; 1000 Genomes Project 0.00060; gnomAD exomes 0.00066; ExAC 0.00073; gnomAD 0.00193 and 0.00216; TOPMed 0.00231; ESP Exome Variant Server 0.00250.
gnomAD v4.1: 994 of 1,614,036 alleles (0.062%); highest among the groups gnomAD compares: African/African-American, 0.59%; 3 homozygotes.

Submissions (12):

Labcorp Genetics (formerly Invitae), Labcorp
Classification: Likely benign for Developmental and epileptic encephalopathy, 1; Autosomal dominant nonsyndromic hearing loss 65. Last evaluated: 2026-01-27. Review status: criteria provided, single submitter. Criteria: Invitae Variant Classification Sherloc (09022015). Collection method: clinical testing. Allele origin: germline.

CeGaT Center for Human Genetics Tuebingen
Classification: Likely benign. Last evaluated: 2025-09-01. Review status: criteria provided, single submitter. Criteria: CeGaT Center For Human Genetics Tuebingen Variant Classification Criteria Version 2. Collection method: clinical testing. Allele origin: germline. Affected: yes. Observed: 5 variant alleles.
Comment: TBC1D24: BP4, BS2

Blueprint Genetics
Classification: Likely benign. Last evaluated: 2024-10-18. Review status: criteria provided, single submitter. Criteria: ACMG Guidelines, 2015. Collection method: clinical testing. Allele origin: germline.

ARUP Laboratories, Molecular Genetics and Genomics, ARUP Laboratories
Classification: Likely benign. Last evaluated: 2024-09-16. Review status: criteria provided, single submitter. Criteria: ARUP Molecular Germline Variant Investigation Process 2024. Collection method: clinical testing. Allele origin: germline.

GeneDx
Classification: Likely benign. Last evaluated: 2021-05-10. Review status: criteria provided, single submitter. Criteria: GeneDx Variant Classification Process June 2021. Collection method: clinical testing. Allele origin: germline. Affected: yes.
Comment: This variant is associated with the following publications: (PMID: 24291220)

Dubai Health Genomic Medicine Center, Dubai Health
Classification: Likely benign. Last evaluated: 2020-12-16. Review status: criteria provided, single submitter. Criteria: ACMG Guidelines, 2015. Collection method: clinical testing. Allele origin: germline. Affected: yes.

Athena Diagnostics
Classification: Likely benign. Last evaluated: 2018-07-27. Review status: criteria provided, single submitter. Criteria: Athena Diagnostics Criteria. Collection method: clinical testing. Allele origin: germline.

Ambry Genetics
Classification: Likely benign for Inborn genetic diseases. Last evaluated: 2018-05-01. Review status: criteria provided, single submitter. Criteria: Ambry Variant Classification Scheme 2023. Collection method: clinical testing. Allele origin: germline.

Center for Pediatric Genomic Medicine, Children's Mercy Hospital and Clinics
Classification: Likely benign. Last evaluated: 2017-01-13. Review status: criteria provided, single submitter. Criteria: ACMG Guidelines, 2015. Collection method: clinical testing. Allele origin: germline.
ClinVar note: Converted during submission from Likely Benign to Likely benign.

Eurofins Ntd Llc (ga)
Classification: Likely benign. Last evaluated: 2016-08-17. Review status: criteria provided, single submitter. Criteria: EGL Classification Definitions 2015. Collection method: clinical testing. Allele origin: germline. Observed: 1 variant allele, 1 heterozygote.

Laboratory for Molecular Medicine, Mass General Brigham Personalized Medicine
Classification: Benign. Last evaluated: 2014-11-24. Review status: criteria provided, single submitter. Criteria: LMM Criteria. Collection method: clinical testing. Allele origin: germline. Observed: 3 variant alleles.
Comment: Ser262Leu in exon 2 of TBC1D24: This variant is not expected to have clinical si gnificance because it has been identified in 0.6% (27/4304) of African American chromosomes from a broad population by the NHLBI Exome Sequencing Project.

PreventionGenetics, part of Exact Sciences
Classification: Likely benign for TBC1D24-related condition. Last evaluated: 2020-03-30. Review status: no assertion criteria provided. Collection method: clinical testing. Allele origin: germline. Not counted in ClinVar's aggregate classification.
Comment: This variant is classified as likely benign based on ACMG/AMP sequence variant interpretation guidelines (Richards et al. 2015 PMID: 25741868, with internal and published modifications).

NM_001199107.2(TBC1D24):c.785C>T (p.Ser262Leu)

Gene: TBC1D24 (TBC1 domain family member 24; plus strand). Cytogenetic location: 16p13.3.
Variant type: single nucleotide variant.
Coding change: c.785C>T on transcript NM_001199107.2 (MANE Select); coding-DNA position 785, C replaced by T.
Protein change: p.Ser262Leu; replaces serine 262 with leucine.
Molecular consequence: missense variant.
Genome position (GRCh38, 1-based): chr16:2,496,933, C>T. VCF-style: chr16-2496933-C-T. GRCh37 (hg19) VCF-style: chr16-2546934-C-T.
Other names: c.785C>T, p.Ser262Leu (NM_020705.3); short protein forms S262L.
Identifiers: ClinVar variation 195135 (VCV000195135.60), dbSNP rs201060500, ClinGen allele CA201586.